The following is an entry in ClinVar:

ClinVar aggregate classification (germline): Uncertain significance. Review status: criteria provided, multiple submitters, no conflicts (2 of 4 stars). 4 submissions from 4 submitters: Uncertain significance (4). Last evaluated 2026-05-20.

Conditions:
SLC35C1-related disorder. Also called: SLC35C1-related condition.
Leukocyte adhesion deficiency type II. Also called: Congenital disorder of glycosylation type 2C; CDG 2C; Leukocyte adhesion deficiency type 2; Rambam Hasharon syndrome; CONGENITAL DISORDER OF GLYCOSYLATION, TYPE IIc; CDG IIc. Identifiers: Orphanet 2968, Orphanet 99843, MedGen C0398739, MONDO:0009953, OMIM 266265.
Inborn genetic diseases. Identifiers: MedGen C0950123, MeSH D030342.

Allele frequency attached by ClinVar (database versions not stated): ESP Exome Variant Server 0.00031; 1000 Genomes Project 0.00100; 1000 Genomes Project 30x 0.00125; gnomAD exomes 0.00009; ExAC 0.00013; gnomAD 0.00019 and 0.00020; TOPMed 0.00024.
gnomAD v4.1: 76 of 1,612,644 alleles (0.0047%); highest among the groups gnomAD compares: African/African-American, 0.049%; no homozygotes.

Submissions (4):

Women's Health and Genetics/Laboratory Corporation of America, LabCorp
Classification: Uncertain significance. Last evaluated: 2026-05-20. Review status: criteria provided, single submitter. Criteria: LabCorp Variant Classification Summary - May 2015. Collection method: clinical testing. Allele origin: germline.
Comment: Variant summary: SLC35C1 c.706G>A (p.Val236Ile) results in a conservative amino acid change in the encoded protein sequence. Algorithms developed to predict the effect of missense changes on protein structure and function are either unavailable or do not agree on the potential impact of this missense change. The variant allele was found at a frequency of 9.2e-05 in 250214 control chromosomes. This frequency is not significantly higher than estimated for disease-causing variants in SLC35C1, allowing no conclusion about variant significance. To our knowledge, no occurrence of c.706G>A in individuals affected with SLC35C1-related conditions and no experimental evidence demonstrating its impact on protein function have been reported. ClinVar contains an entry for this variant (Variation ID: 1390064). Based on the evidence outlined above, the variant was classified as uncertain significance.

Labcorp Genetics (formerly Invitae), Labcorp
Classification: Uncertain significance for Leukocyte adhesion deficiency type II. Last evaluated: 2026-01-26. Review status: criteria provided, single submitter. Criteria: Invitae Variant Classification Sherloc (09022015). Collection method: clinical testing. Allele origin: germline.
Comment: This sequence change replaces valine, which is neutral and non-polar, with isoleucine, which is neutral and non-polar, at codon 236 of the SLC35C1 protein (p.Val236Ile). This variant is present in population databases (rs200146272, gnomAD 0.07%). This variant has not been reported in the literature in individuals affected with SLC35C1-related conditions. ClinVar contains an entry for this variant (Variation ID: 1390064). Invitae Evidence Modeling of protein sequence and biophysical properties (such as structural, functional, and spatial information, amino acid conservation, physicochemical variation, residue mobility, and thermodynamic stability) indicates that this missense variant is not expected to disrupt SLC35C1 protein function with a negative predictive value of 80%. In summary, the available evidence is currently insufficient to determine the role of this variant in disease. Therefore, it has been classified as a Variant of Uncertain Significance.

PreventionGenetics, part of Exact Sciences
Classification: Uncertain significance for SLC35C1-related condition. Last evaluated: 2025-04-29. Review status: criteria provided, single submitter. Criteria: ACMG Guidelines, 2015. Collection method: clinical testing. Allele origin: germline.
Comment: The SLC35C1 c.706G>A variant is predicted to result in the amino acid substitution p.Val236Ile. To our knowledge, this variant has not been reported in the literature. This variant is reported in 0.068% of alleles in individuals of African descent in gnomAD. Although we suspect that this variant may be benign, the clinical significance of this variant is classified as uncertain at this time due to insufficient functional and genetic evidence.

Ambry Genetics
Classification: Uncertain significance for Inborn genetic diseases. Last evaluated: 2025-01-17. Review status: criteria provided, single submitter. Criteria: Ambry Variant Classification Scheme 2023. Collection method: clinical testing. Allele origin: germline.

NM_018389.5(SLC35C1):c.706G>A (p.Val236Ile)

Gene: SLC35C1 (solute carrier family 35 member C1; plus strand). Cytogenetic location: 11p11.2.
Variant type: single nucleotide variant.
Coding change: c.706G>A on transcript NM_018389.5 (MANE Select); coding-DNA position 706, G replaced by A.
Protein change: p.Val236Ile; replaces valine 236 with isoleucine.
Molecular consequence: missense variant.
Genome position (GRCh38, 1-based): chr11:45,810,946, G>A. VCF-style: chr11-45810946-G-A. GRCh37 (hg19) VCF-style: chr11-45832497-G-A.
Other names: c.667G>A, p.Val223Ile (NM_001145265.2, NM_001145266.2); short protein forms V223I, V236I.
Identifiers: ClinVar variation 1390064 (VCV001390064.10), dbSNP rs200146272, ClinGen allele CA5958316.
Genomic context (GRCh38, chr11:45,810,946, plus strand): 5'-ACCACGAAGGTGCTCCCGGCGGTGGACGGCAGCATCTGGCGCCTGACTTTCTACAACAAC[G>A]TCAACGCCTGCATCCTCTTCCTGCCCCTGCTCCTGCTGCTCGGGGAGCTTCAGGCCCTGC-3'
Protein context (NP_060859.4, residues 226-246): SIWRLTFYNN[Val236Ile]NACILFLPLL